The following is an entry in ClinVar:

NM_000540.3(RYR1):c.1768G>T (p.Asp590Tyr)

Gene: RYR1 (ryanodine receptor 1; plus strand). Cytogenetic location: 19q13.2.
Variant type: single nucleotide variant.
Coding change: c.1768G>T on transcript NM_000540.3 (MANE Select); coding-DNA position 1768, G replaced by T.
Protein change: p.Asp590Tyr; replaces aspartic acid 590 with tyrosine.
Molecular consequence: missense variant.
Genome position (GRCh38, 1-based): chr19:38,455,728, G>T. VCF-style: chr19-38455728-G-T. GRCh37 (hg19) VCF-style: chr19-38946368-G-T.
Other names: c.1768G>T, p.Asp590Tyr (NM_001042723.2); short protein forms D590Y.
Identifiers: ClinVar variation 945468 (VCV000945468.13), dbSNP rs552148844, ClinGen allele CA062379.
Genomic context (GRCh38, chr19:38,455,728, plus strand): 5'-AGTCCAGAGGTTCTGAACATCATCCAGGAGAATCACATCAAGTCCATCATCTCCCTCCTG[G>T]ACAAGCATGGGAGGAACCACAAGGTCGGCCCCTCACCCCTGACCTCTCATCCCCTGAACT-3'
Protein context (NP_000531.2, residues 580-600): NHIKSIISLL[Asp590Tyr]KHGRNHKVLD

ClinVar aggregate classification (germline): Uncertain significance. Review status: criteria provided, multiple submitters, no conflicts (2 of 4 stars). 5 submissions from 5 submitters: Uncertain significance (5). Last evaluated 2026-03-13.

Conditions:
Congenital myopathy with fiber type disproportion. Also called: Congenital fiber-type disproportion myopathy; Congenital fiber-type disproportion. Identifiers: Orphanet 2020, MedGen C0546264, MONDO:0009711. Inheritance: all.
Congenital multicore myopathy with external ophthalmoplegia (CMYO1B). Also called: MULTICORE MYOPATHY; Minicore myopathy with external ophthalmoplegia; Congenital myopathy 1B, autosomal recessive; Minicore myopathy; MULTIMINICORE DISEASE WITH EXTERNAL OPHTHALMOPLEGIA. Identifiers: Orphanet 598, Orphanet 98905, MedGen C1850674, MONDO:0009712, OMIM 255320, HP:0003789.
King Denborough syndrome (KDS). Identifiers: MedGen C1840365, MONDO:0020485, OMIM 619542.
Malignant hyperthermia, susceptibility to, 1 (MHS1). Also called: Anesthesia related hyperthermia; Malignant hyperpyrexia; Fulminating hyperpyrexia; Pharmacogenic myopathy; RYR1-Related Malignant Hyperthermia Susceptibility; Malignant hyperthermia suceptibility 1. Identifiers: Orphanet 423, MedGen C2930980, MONDO:0007783, OMIM 145600.
Central core myopathy (CMYO1A). Also called: CONGENITAL MYOPATHY 1A, AUTOSOMAL DOMINANT, WITH SUSCEPTIBILITY TO MALIGNANT HYPERTHERMIA; Central core disease; Myopathy, central fibrillar. Identifiers: Orphanet 597, MedGen C5830701, MONDO:0007294, OMIM 117000.
RYR1-related disorder. Also called: RYR1-related condition; RYR1-related disorders. Identifiers: MedGen CN239331.
Inborn genetic diseases. Identifiers: MedGen C0950123, MeSH D030342.

Allele frequency attached by ClinVar (database versions not stated): TOPMed 0.00003; gnomAD 0.00004; gnomAD exomes 0.00006; ExAC 0.00007; 1000 Genomes Project 30x 0.00016; 1000 Genomes Project 0.00020.
gnomAD v4.1: 13 of 1,611,954 alleles (0.00081%); highest among the groups gnomAD compares: East Asian, 0.029%; no homozygotes.

Submissions (5):

PreventionGenetics, part of Exact Sciences
Classification: Uncertain significance for RYR1-related condition. Last evaluated: 2026-03-13. Review status: criteria provided, single submitter. Criteria: ACMG Guidelines, 2015. Collection method: clinical testing. Allele origin: germline.
Comment: The RYR1 c.1768G>T variant is predicted to result in the amino acid substitution p.Asp590Tyr. To our knowledge, this variant has not been reported in the literature. This variant is reported in 0.10% of alleles in individuals of East Asian descent in gnomAD, which may be too frequent for an unreported disease-causing variant. Although we suspect that this variant may be benign, at this time, the clinical significance of this variant is uncertain due to the absence of conclusive functional and genetic evidence.

Ambry Genetics
Classification: Uncertain significance for Inborn genetic diseases. Last evaluated: 2024-03-20. Review status: criteria provided, single submitter. Criteria: Ambry Variant Classification Scheme 2023. Collection method: clinical testing. Allele origin: germline.

Labcorp Genetics (formerly Invitae), Labcorp
Classification: Uncertain significance for RYR1-related disorder. Last evaluated: 2024-02-24. Review status: criteria provided, single submitter. Criteria: Invitae Variant Classification Sherloc (09022015). Collection method: clinical testing. Allele origin: germline.
Comment: This sequence change replaces aspartic acid, which is acidic and polar, with tyrosine, which is neutral and polar, at codon 590 of the RYR1 protein (p.Asp590Tyr). This variant is present in population databases (rs552148844, gnomAD 0.09%). This variant has not been reported in the literature in individuals affected with RYR1-related conditions. ClinVar contains an entry for this variant (Variation ID: 945468). Advanced modeling of protein sequence and biophysical properties (such as structural, functional, and spatial information, amino acid conservation, physicochemical variation, residue mobility, and thermodynamic stability) has been performed at Invitae for this missense variant, however the output from this modeling did not meet the statistical confidence thresholds required to predict the impact of this variant on RYR1 protein function. In summary, the available evidence is currently insufficient to determine the role of this variant in disease. Therefore, it has been classified as a Variant of Uncertain Significance.

All of Us Research Program, National Institutes of Health
Classification: Uncertain significance for Malignant hyperthermia, susceptibility to, 1. Last evaluated: 2023-08-15. Review status: criteria provided, single submitter. Criteria: ACMG Guidelines, 2015. Collection method: clinical testing. Allele origin: germline. Inheritance: Autosomal dominant inheritance. Observed: 3 variant alleles, 3 heterozygotes.
Comment: This missense variant replaces aspartic acid with tyrosine at codon 590 of the RYR1 protein. Computational prediction suggests that this variant may have deleterious impact on protein structure and function (internally defined REVEL score threshold >= 0.7, PMID: 27666373). To our knowledge, functional studies have not been reported for this variant. This variant has not been reported in individuals affected with RYR1-related disorders in the literature. This variant has been identified in 20/282768 chromosomes in the general population by the Genome Aggregation Database (gnomAD). The available evidence is insufficient to determine the role of this variant in disease conclusively. Therefore, this variant is classified as a Variant of Uncertain Significance.

This study involves interpretation of variants in research participants for the purpose of population health screening. Participant phenotype was not available at the time of variant classification. Additional details can be found in publication PMID: 35346344, PMCID: PMC8962531

Fulgent Genetics
Classification: Uncertain significance for Central core myopathy; Malignant hyperthermia, susceptibility to, 1; Congenital myopathy 4A, autosomal dominant; Congenital multicore myopathy with external ophthalmoplegia; King Denborough syndrome. Last evaluated: 2021-08-06. Review status: criteria provided, single submitter. Criteria: ACMG Guidelines, 2015. Collection method: clinical testing. Allele origin: unknown.